The following is an entry in ClinVar:

NM_017534.6(MYH2):c.884A>G (p.Asn295Ser)

Genes: MYHAS (myosin heavy chain gene cluster antisense RNA; plus strand), MYH2 (myosin heavy chain 2; minus strand). Cytogenetic location: 17p13.1.
Variant type: single nucleotide variant.
Coding change: c.884A>G on transcript NM_017534.6 (MANE Select); coding-DNA position 884, A replaced by G.
Protein change: p.Asn295Ser; replaces asparagine 295 with serine.
Molecular consequence: missense variant.
Genome position (GRCh38, 1-based): chr17:10,542,895, T>C on the plus strand (A>G on the coding strand, the complement: MYH2 is on the minus strand). VCF-style: chr17-10542895-T-C. GRCh37 (hg19) VCF-style: chr17-10446212-T-C.
Other names: c.884A>G, p.Asn295Ser (NM_001100112.2); short protein forms N295S.
Identifiers: ClinVar variation 4718844 (VCV004718844.1).

ClinVar aggregate classification (germline): Uncertain significance (1 of 4 stars; one submission).

Conditions:
Myopathy, proximal, and ophthalmoplegia (CMYO6). Also called: MYOPATHY WITH CONGENITAL JOINT CONTRACTURES, OPHTHALMOPLEGIA, AND RIMMED VACUOLES; INCLUSION BODY MYOPATHY 3, AUTOSOMAL DOMINANT; CONGENITAL MYOPATHY 6 WITH OPHTHALMOPLEGIA. Identifiers: Orphanet 363677, Orphanet 79091, MedGen C1854106, MONDO:0011577, OMIM 605637.

Submission:

Labcorp Genetics (formerly Invitae), Labcorp
Classification: Uncertain significance for Myopathy, proximal, and ophthalmoplegia. Last evaluated: 2025-08-01. Review status: criteria provided, single submitter. Criteria: Invitae Variant Classification Sherloc (09022015). Collection method: clinical testing. Allele origin: germline.
Comment: This sequence change replaces asparagine, which is neutral and polar, with serine, which is neutral and polar, at codon 295 of the MYH2 protein (p.Asn295Ser). This variant is not present in population databases (gnomAD no frequency). This variant has not been reported in the literature in individuals affected with MYH2-related conditions. Invitae Evidence Modeling of protein sequence and biophysical properties (such as structural, functional, and spatial information, amino acid conservation, physicochemical variation, residue mobility, and thermodynamic stability) indicates that this missense variant is not expected to disrupt MYH2 protein function with a negative predictive value of 80%. In summary, the available evidence is currently insufficient to determine the role of this variant in disease. Therefore, it has been classified as a Variant of Uncertain Significance.